The following is an entry in ClinVar:

NM_017777.4(MKS1):c.191-1G>A

Gene: MKS1 (MKS transition zone complex subunit 1; minus strand). Cytogenetic location: 17q22.
Variant type: single nucleotide variant.
Coding change: c.191-1G>A on transcript NM_017777.4 (MANE Select); the canonical splice acceptor site of the intron before coding-DNA position 191, G replaced by A.
Molecular consequence: splice acceptor variant.
Genome position (GRCh38, 1-based): chr17:58,216,737, C>T on the plus strand (G>A on the coding strand, the complement: MKS1 is on the minus strand). VCF-style: chr17-58216737-C-T. GRCh37 (hg19) VCF-style: chr17-56294098-C-T.
Other names: c.-321-1G>A (NM_001321268.2); c.191-1G>A (NM_001330397.2, NM_001321269.2, NM_001411113.1 and 1 more transcripts).
Identifiers: ClinVar variation 1456980 (VCV001456980.10), dbSNP rs201362733, ClinGen allele CA8669609.

ClinVar aggregate classification (germline): Pathogenic/Likely pathogenic. Review status: criteria provided, multiple submitters, no conflicts (2 of 4 stars). 5 submissions from 5 submitters: Pathogenic (4); Likely pathogenic (1). Last evaluated 2025-08-15.

Conditions:
Meckel syndrome, type 1 (MKS1). Also called: MECKEL-GRUBER SYNDROME, TYPE 1. Identifiers: Orphanet 564, MedGen C3714506, MONDO:0009571, OMIM 249000.
Joubert syndrome 28 (JBTS28). Identifiers: MedGen C4310705, MONDO:0014928, OMIM 617121.
Bardet-Biedl syndrome 13 (BBS13). Identifiers: Orphanet 110, MedGen C2673873, MONDO:0014441, OMIM 615990.
Meckel-Gruber syndrome. Also called: DYSENCEPHALIA SPLANCHNOCYSTICA; GRUBER SYNDROME; Dysencephalia splachnocystica. Identifiers: Orphanet 564, MedGen C0265215, MONDO:0018921.
Joubert syndrome. Also called: CEREBELLOPARENCHYMAL DISORDER IV; JOUBERT-BOLTSHAUSER SYNDROME; Familial aplasia of the vermis. Identifiers: Orphanet 475, MedGen C5979921, MONDO:0018772.

Allele frequency attached by ClinVar (database versions not stated): gnomAD 0.00001; gnomAD exomes 0.00001; TOPMed 0.00001; ExAC 0.00002; ESP Exome Variant Server 0.00016.
gnomAD v4.1: 1 of 1,614,016 alleles (0.000062%); highest among the groups gnomAD compares: African/African-American, 0.0013%; no homozygotes.

Submissions (5):

GeneDx
Classification: Pathogenic. Last evaluated: 2025-08-15. Review status: criteria provided, single submitter. Criteria: GeneDx Variant Classification Process June 2021. Collection method: clinical testing. Allele origin: germline. Affected: yes.
Comment: Canonical splice site variant predicted to result in a null allele in a gene for which loss of function is a known mechanism of disease; This variant is associated with the following publications: (PMID: 31964843, 33193692)

Natera, Inc.
Classification: Pathogenic for Meckel syndrome type 1. Last evaluated: 2025-06-17. Review status: criteria provided, single submitter. Criteria: Natera Variant Classification Schema (03/2026). Collection method: clinical testing. Allele origin: germline.
Comment: The c.191-1G>A variant in MKS1 is a canonical splice acceptor site variant predicted to affect pre-mRNA splicing, which may result in an abnormal transcript and altered protein product. This variant is expected to result in nonsense mediated decay, truncation, or a dysfunctional protein product. This variant is rare in the general population with a frequency below the threshold expected for the associated phenotype(s). This variant has been observed in one or more individuals affected with the associated recessive disease, as either homozygous or compound heterozygous with a second variant (PMID: 33193692). Given the available evidence, this variant is classified as Pathogenic.

Fulgent Genetics
Classification: Likely pathogenic for Meckel syndrome, type 1; Bardet-Biedl syndrome 13; Joubert syndrome 28. Last evaluated: 2024-06-18. Review status: criteria provided, single submitter. Criteria: ACMG Guidelines, 2015. Collection method: clinical testing. Allele origin: germline.

Labcorp Genetics (formerly Invitae), Labcorp
Classification: Pathogenic for Joubert syndrome; Meckel-Gruber syndrome. Last evaluated: 2024-02-23. Review status: criteria provided, single submitter. Criteria: Invitae Variant Classification Sherloc (09022015). Collection method: clinical testing. Allele origin: germline.
Comment: This sequence change affects an acceptor splice site in intron 2 of the MKS1 gene. It is expected to disrupt RNA splicing. Variants that disrupt the donor or acceptor splice site typically lead to a loss of protein function (PMID: 16199547), and loss-of-function variants in MKS1 are known to be pathogenic (PMID: 19466712, 24886560, 26490104). This variant is present in population databases (rs201362733, gnomAD 0.02%). Disruption of this splice site has been observed in individual(s) with Joubert syndrome (PMID: 33193692). In at least one individual the data is consistent with being in trans (on the opposite chromosome) from a pathogenic variant. ClinVar contains an entry for this variant (Variation ID: 1456980). Algorithms developed to predict the effect of sequence changes on RNA splicing suggest that this variant may disrupt the consensus splice site. For these reasons, this variant has been classified as Pathogenic.

Baylor Genetics
Classification: Pathogenic for Bardet-Biedl syndrome 13. Last evaluated: 2023-03-28. Review status: criteria provided, single submitter. Criteria: ACMG Guidelines, 2015. Collection method: clinical testing. Allele origin: unknown.

Literature cited by the submitters: PubMed 33193692 (cited by Natera, Inc. and Labcorp Genetics (formerly Invitae), Labcorp); PubMed 16199547 (cited by Labcorp Genetics (formerly Invitae), Labcorp); PubMed 19466712 (cited by Labcorp Genetics (formerly Invitae), Labcorp); PubMed 24886560 (cited by Labcorp Genetics (formerly Invitae), Labcorp); PubMed 26490104 (cited by Labcorp Genetics (formerly Invitae), Labcorp).